The following is an entry in ClinVar:

NM_001378615.1(CC2D2A):c.3298C>A (p.Arg1100Ser)

Genes: FBXL5 (F-box and leucine rich repeat protein 5; minus strand), CC2D2A (coiled-coil and C2 domain containing 2A; plus strand). Cytogenetic location: 4p15.32.
Variant type: single nucleotide variant.
Coding change: c.3298C>A on transcript NM_001378615.1 (MANE Select); coding-DNA position 3298, C replaced by A.
Protein change: p.Arg1100Ser; replaces arginine 1100 with serine.
Molecular consequence: missense variant.
Genome position (GRCh38, 1-based): chr4:15,567,686, C>A. VCF-style: chr4-15567686-C-A. GRCh37 (hg19) VCF-style: chr4-15569309-C-A.
Other names: c.3298C>A, p.Arg1100Ser (NM_001080522.2); c.3151C>A, p.Arg1051Ser (NM_001378617.1); short protein forms R1100S, R1051S.
Identifiers: ClinVar variation 2113708 (VCV002113708.4), dbSNP rs767086890, ClinGen allele CA356418596.

ClinVar aggregate classification (germline): Uncertain significance (1 of 4 stars; one submission).

Conditions:
Joubert syndrome. Also called: JOUBERT-BOLTSHAUSER SYNDROME; Familial aplasia of the vermis. Identifiers: Orphanet 475, MedGen C5979921, MONDO:0018772.
Meckel-Gruber syndrome. Also called: DYSENCEPHALIA SPLANCHNOCYSTICA; GRUBER SYNDROME; Dysencephalia splachnocystica. Identifiers: Orphanet 564, MedGen C0265215, MONDO:0018921.

gnomAD v4.1: 1 of 1,600,260 alleles (0.000062%); highest among the groups gnomAD compares: Non-Finnish European, 0.000085%; no homozygotes.

Submission:

Labcorp Genetics (formerly Invitae), Labcorp
Classification: Uncertain significance for Joubert syndrome; Meckel-Gruber syndrome. Last evaluated: 2022-03-18. Review status: criteria provided, single submitter. Criteria: Invitae Variant Classification Sherloc (09022015). Collection method: clinical testing. Allele origin: germline.
Comment: This variant has not been reported in the literature in individuals affected with CC2D2A-related conditions. Advanced modeling of protein sequence and biophysical properties (such as structural, functional, and spatial information, amino acid conservation, physicochemical variation, residue mobility, and thermodynamic stability) performed at Invitae indicates that this missense variant is expected to disrupt CC2D2A protein function. In summary, the available evidence is currently insufficient to determine the role of this variant in disease. Therefore, it has been classified as a Variant of Uncertain Significance. This sequence change replaces arginine, which is basic and polar, with serine, which is neutral and polar, at codon 1100 of the CC2D2A protein (p.Arg1100Ser). This variant is present in population databases (no rsID available, gnomAD 0.0009%).